The following is an entry in ClinVar:

ClinVar aggregate classification (germline): Uncertain significance (1 of 4 stars; one submission).

Conditions:
Hereditary cancer-predisposing syndrome. Also called: Neoplastic Syndromes, Hereditary; Hereditary neoplastic syndrome; Tumor predisposition; Hereditary Cancer Syndrome. Identifiers: Orphanet 140162, MedGen C0027672, MeSH D009386, MONDO:0015356.

Submission:

Ambry Genetics
Classification: Uncertain significance for Hereditary cancer-predisposing syndrome. Last evaluated: 2026-02-25. Review status: criteria provided, single submitter. Criteria: Ambry Variant Classification Scheme 2023. Collection method: clinical testing. Allele origin: germline.
Comment: The p.T481S variant (also known as c.1442C>G), located in coding exon 10 of the FLCN gene, results from a C to G substitution at nucleotide position 1442. The threonine at codon 481 is replaced by serine, an amino acid with similar properties. This amino acid position is well conserved in available vertebrate species. In addition, the in silico prediction for this alteration is inconclusive. Based on the available evidence, the clinical significance of this variant remains unclear.

NM_144997.7(FLCN):c.1442C>G (p.Thr481Ser)

Gene: FLCN (folliculin; minus strand). Cytogenetic location: 17p11.2.
Variant type: single nucleotide variant.
Coding change: c.1442C>G on transcript NM_144997.7 (MANE Select); coding-DNA position 1442, C replaced by G.
Protein change: p.Thr481Ser; replaces threonine 481 with serine.
Molecular consequence: missense variant.
Genome position (GRCh38, 1-based): chr17:17,215,081, G>C on the plus strand (C>G on the coding strand, the complement: FLCN is on the minus strand). VCF-style: chr17-17215081-G-C. GRCh37 (hg19) VCF-style: chr17-17118395-G-C.
Other names: c.1496C>G, p.Thr499Ser (NM_001353229.2); c.1442C>G, p.Thr481Ser (NM_001353230.2, NM_001353231.2); short protein forms T481S, T499S.
Identifiers: ClinVar variation 4824721 (VCV004824721.1).